The following is an entry in ClinVar:

ClinVar aggregate classification (germline): Benign/Likely benign. Review status: criteria provided, multiple submitters, no conflicts (2 of 4 stars). 6 submissions from 6 submitters: Benign (5); Likely benign (1). Last evaluated 2026-02-03.

Allele frequency attached by ClinVar (database versions not stated): gnomAD exomes 0.08997 and 0.13985; ExAC 0.14703; ESP Exome Variant Server 0.15979; gnomAD 0.17747 and 0.17818; TOPMed 0.18961; 1000 Genomes Project 30x 0.24329; 1000 Genomes Project 0.24940.
gnomAD v4.1: 159,957 of 1,613,328 alleles (9.9%); highest among the groups gnomAD compares: East Asian, 40%; 14,878 homozygotes.

Submissions (6):

Labcorp Genetics (formerly Invitae), Labcorp
Classification: Benign. Last evaluated: 2026-02-03. Review status: criteria provided, single submitter. Criteria: Invitae Variant Classification Sherloc (09022015). Collection method: clinical testing. Allele origin: germline.

Blueprint Genetics
Classification: Likely benign. Last evaluated: 2024-11-28. Review status: criteria provided, single submitter. Criteria: ACMG Guidelines, 2015. Collection method: clinical testing. Allele origin: germline.

Unidad de Genómica Garrahan, Hospital de Pediatría Garrahan
Classification: Benign. Last evaluated: 2023-11-12. Review status: criteria provided, single submitter. Criteria: ACMG Guidelines, 2015. Collection method: clinical testing. Allele origin: germline. Affected: no. Observed: 20 variant alleles.
Comment: This variant is classified as Benign based on local population frequency. This variant was detected in 21% of patients studied by a panel of primary immunodeficiencies. Number of patients: 20. Only high quality variants are reported.

Mayo Clinic Laboratories, Mayo Clinic
Classification: Benign. Last evaluated: 2022-09-29. Review status: criteria provided, single submitter. Criteria: ACMG Guidelines, 2015. Collection method: clinical testing. Allele origin: germline. Observed: 418 variant alleles.

GeneDx
Classification: Benign. Last evaluated: 2018-11-27. Review status: criteria provided, single submitter. Criteria: GeneDx Variant Classification Process June 2021. Collection method: clinical testing. Allele origin: germline. Affected: yes.

Breakthrough Genomics
Classification: Benign. Review status: criteria provided, single submitter. Criteria: ACMG Guidelines, 2015. Collection method: not provided. Allele origin: germline. Inheritance: Autosomal recessive inheritance. Affected: yes.

NM_001261826.3(AP3D1):c.2002-4A>G

Gene: AP3D1 (adaptor related protein complex 3 subunit delta 1; minus strand). Cytogenetic location: 19p13.3.
Variant type: single nucleotide variant.
Coding change: c.2002-4A>G on transcript NM_001261826.3 (MANE Select); 4 bases into the intron before coding-DNA position 2002, A replaced by G.
Molecular consequence: intron variant.
Genome position (GRCh38, 1-based): chr19:2,116,282, T>C on the plus strand (A>G on the coding strand, the complement: AP3D1 is on the minus strand). VCF-style: chr19-2116282-T-C. GRCh37 (hg19) VCF-style: chr19-2116281-T-C.
Other names: p.?; c.2002-4A>G (NM_003938.8, NM_001374799.1).
Identifiers: ClinVar variation 1169442 (VCV001169442.15), dbSNP rs2240656, ClinGen allele CA9059069.